The following is an entry in ClinVar:

NM_000157.4(GBA1):c.104C>T (p.Ser35Leu)

Gene: GBA1 (glucosylceramidase beta 1; minus strand). Cytogenetic location: 1q22.
Variant type: single nucleotide variant.
Coding change: c.104C>T on transcript NM_000157.4 (MANE Select); coding-DNA position 104, C replaced by T.
Protein change: p.Ser35Leu; replaces serine 35 with leucine.
Molecular consequence: missense variant. On other transcripts: intron variant (1).
Genome position (GRCh38, 1-based): chr1:155,240,641, G>A on the plus strand (C>T on the coding strand, the complement: GBA1 is on the minus strand). VCF-style: chr1-155240641-G-A. GRCh37 (hg19) VCF-style: chr1-155210432-G-A.
Other names: c.104C>T (NM_001005742.2, NM_001005741.2); c.104C>T, p.Ser35Leu (NM_001005741.3, NM_001005742.3, NM_001171812.2); c.-146-564C>T (NM_001171811.2); short protein forms S35L.
Identifiers: ClinVar variation 522661 (VCV000522661.10), dbSNP rs757041827, ClinGen allele CA1141859.

ClinVar aggregate classification (germline): Uncertain significance. Review status: criteria provided, multiple submitters, no conflicts (2 of 4 stars). 6 submissions from 6 submitters: Uncertain significance (6). Last evaluated 2025-06-04.

Conditions:
Gaucher disease-ophthalmoplegia-cardiovascular calcification syndrome. Also called: GAUCHER DISEASE, TYPE IIIC. Identifiers: Orphanet 2072, MedGen C1856476, MONDO:0009268, OMIM 231005.
Gaucher disease perinatal lethal. Also called: Gaucher disease collodion type; Gaucher Disease, Perinatal-Lethal Form. Identifiers: Orphanet 85212, MedGen C1842704, MONDO:0011945, OMIM 608013.
Gaucher disease type I (GD1). Also called: GD 1; ACID BETA-GLUCOSIDASE DEFICIENCY; Type 1 Gaucher Disease; GAUCHER DISEASE, NONCEREBRAL JUVENILE; GBA DEFICIENCY; GD I. Identifiers: Orphanet 355, Orphanet 77259, MedGen C1961835, MONDO:0009265, OMIM 230800.
Gaucher disease type II (GD2). Also called: Type 2 Gaucher disease (Acute; Infantile); GAUCHER DISEASE, ACUTE NEURONOPATHIC TYPE; GD II; Acute neuronopathic Gaucher's disease. Identifiers: Orphanet 77260, MedGen C0268250, MONDO:0009266, OMIM 230900.
Gaucher disease type III. Also called: Type 3 Gaucher disease (Subacute; Juvenile); GAUCHER DISEASE, CHRONIC NEURONOPATHIC TYPE; GAUCHER DISEASE, JUVENILE AND ADULT, CEREBRAL; GAUCHER DISEASE, SUBACUTE NEURONOPATHIC TYPE; GD III; Gaucher Disease, Type 3. Identifiers: Orphanet 355, Orphanet 77261, MedGen C0268251, MONDO:0009267, OMIM 231000.
Lewy body dementia (DLB). Also called: Lewy Body Disease. Identifiers: MedGen C0752347, MONDO:0007488, OMIM 127750.
Parkinson disease, late-onset (PD). Also called: Susceptibility to Parkinson's Disease; PARKINSON DISEASE, LATE-ONSET, SUSCEPTIBILITY TO; Hereditary late onset Parkinson disease. Identifiers: Orphanet 411602, MedGen C3160718, MONDO:0008199, OMIM 168600.
GBA1-related disorder. Also called: GBA1-related condition.
Gaucher disease. Also called: Acute cerebral Gaucher disease; Cerebroside lipidosis syndrome; Gaucher splenomegaly; Sphingolipidosis 1; Glucocerebrosidosis; Glucosylceramidase deficiency. Identifiers: Orphanet 355, MedGen C0017205, MONDO:0018150.

Allele frequency attached by ClinVar (database versions not stated): gnomAD 0.00001; TOPMed 0.00001.
gnomAD v4.1: 25 of 1,613,252 alleles (0.0015%); highest among the groups gnomAD compares: Middle Eastern, 0.016%; no homozygotes.

Submissions (6):

Mayo Clinic Laboratories, Mayo Clinic
Classification: Uncertain significance. Last evaluated: 2025-06-04. Review status: criteria provided, single submitter. Criteria: ACMG Guidelines, 2015. Collection method: clinical testing. Allele origin: germline. Observed: 1 variant allele.

PreventionGenetics, part of Exact Sciences
Classification: Uncertain significance for GBA1-related condition. Last evaluated: 2025-04-29. Review status: criteria provided, single submitter. Criteria: ACMG Guidelines, 2015. Collection method: clinical testing. Allele origin: germline.
Comment: The GBA1 c.104C>T variant is predicted to result in the amino acid substitution p.Ser35Leu. To our knowledge, this variant has not been reported in the literature. This variant is reported in 0.0035% of alleles in individuals of European (Non-Finnish) descent in gnomAD. At this time, the clinical significance of this variant is uncertain due to the absence of conclusive functional and genetic evidence.

Ambry Genetics
Classification: Uncertain significance. Last evaluated: 2022-01-26. Review status: criteria provided, single submitter. Criteria: Ambry Variant Classification Scheme 2023. Collection method: clinical testing. Allele origin: germline.

Fulgent Genetics
Classification: Uncertain significance for Lewy body dementia; Parkinson disease, late-onset; Gaucher disease type I; Gaucher disease type II; Gaucher disease type III; Gaucher disease-ophthalmoplegia-cardiovascular calcification syndrome; Gaucher disease perinatal lethal. Last evaluated: 2021-07-07. Review status: criteria provided, single submitter. Criteria: ACMG Guidelines, 2015. Collection method: clinical testing. Allele origin: unknown.

Genomic Research Center, Shahid Beheshti University of Medical Sciences
Classification: Uncertain significance for Gaucher disease, type 1. Last evaluated: 2020-05-03. Review status: criteria provided, single submitter. Criteria: ACMG Guidelines, 2015. Collection method: clinical testing. Allele origin: unknown.

Broad Center for Mendelian Genomics, Broad Institute of MIT and Harvard
Classification: Uncertain significance for Gaucher disease. Last evaluated: 2020-01-14. Review status: criteria provided, single submitter. Criteria: ACMG Guidelines, 2015. Collection method: curation. Allele origin: germline. Inheritance: Autosomal recessive inheritance.
Comment: The p.Ser35Leu variant in GBA has not been previously reported in individuals with Gaucher disease but has been identified in 0.004% (4/113450) of European (non-Finnish) chromosomes and 0.003% (1/30616) of South Asian chromosomes by the Genome Aggregation Database (gnomAD; dbSNP rs757041827). Although this variant has been seen in the general population, its frequency is low enough to be consistent with a recessive carrier frequency. This variant has also been reported in ClinVar (VariationID: 522661) as likely pathogenic by the Shahid Beheshti University of Medical Sciences. Computational prediction tools and conservation analyses do not provide strong support for or against an impact to the protein. In summary, the clinical significance of the p.Ser35Leu variant is uncertain. ACMG/AMP Criteria applied: PM2 (Richards 2015).